The following is an entry in ClinVar:

NM_025132.4(WDR19):c.3391A>G (p.Ser1131Gly)

Gene: WDR19 (WD repeat domain 19; plus strand). Cytogenetic location: 4p14.
Variant type: single nucleotide variant.
Coding change: c.3391A>G on transcript NM_025132.4 (MANE Select); coding-DNA position 3391, A replaced by G.
Protein change: p.Ser1131Gly; replaces serine 1131 with glycine.
Molecular consequence: missense variant.
Genome position (GRCh38, 1-based): chr4:39,270,008, A>G. VCF-style: chr4-39270008-A-G. GRCh37 (hg19) VCF-style: chr4-39271628-A-G.
Other names: c.2911A>G, p.Ser971Gly (NM_001317924.2); short protein forms S1131G, S971G.
Identifiers: ClinVar variation 1495599 (VCV001495599.5), dbSNP rs2109496811, ClinGen allele CA356646187.

ClinVar aggregate classification (germline): Uncertain significance (1 of 4 stars; one submission).

Conditions:
Asphyxiating thoracic dystrophy 5 (SRTD5). Also called: SHORT-RIB THORACIC DYSPLASIA 5 WITH OR WITHOUT POLYDACTYLY; SHORT-RIB THORACIC DYSPLASIA 5 WITHOUT POLYDACTYLY. Identifiers: Orphanet 474, MedGen C3280598, MONDO:0013717, OMIM 614376.
Senior-Loken syndrome 8 (SLSN8). Identifiers: Orphanet 3156, MedGen C4225376, MONDO:0014579, OMIM 616307.

Allele frequency attached by ClinVar (database versions not stated): gnomAD exomes below 0.00001.
gnomAD v4.1: 4 of 1,613,858 alleles (0.00025%); highest among the groups gnomAD compares: Non-Finnish European, 0.00034%; no homozygotes.

Submission:

Labcorp Genetics (formerly Invitae), Labcorp
Classification: Uncertain significance for Senior-Loken syndrome 8; Asphyxiating thoracic dystrophy 5. Last evaluated: 2021-09-24. Review status: criteria provided, single submitter. Criteria: Invitae Variant Classification Sherloc (09022015). Collection method: clinical testing. Allele origin: germline.
Comment: This sequence change replaces serine with glycine at codon 1131 of the WDR19 protein (p.Ser1131Gly). The serine residue is highly conserved and there is a small physicochemical difference between serine and glycine. This variant is not present in population databases (ExAC no frequency). This variant has not been reported in the literature in individuals with WDR19-related conditions. Algorithms developed to predict the effect of missense changes on protein structure and function output the following: SIFT: "Deleterious"; PolyPhen-2: "Benign"; Align-GVGD: "Class C0". The glycine amino acid residue is found in multiple mammalian species, suggesting that this missense change does not adversely affect protein function. These predictions have not been confirmed by published functional studies and their clinical significance is uncertain. Algorithms developed to predict the effect of sequence changes on RNA splicing suggest that this variant may create or strengthen a splice site, but this prediction has not been confirmed by published transcriptional studies. In summary, the available evidence is currently insufficient to determine the role of this variant in disease. Therefore, it has been classified as a Variant of Uncertain Significance.